The following is an entry in ClinVar:

ClinVar aggregate classification (germline): Uncertain significance (1 of 4 stars; one submission).

Conditions:
Galactosylceramide beta-galactosidase deficiency. Also called: Leukodystrophy, Globoid Cell; Krabbe Disease; GALACTOCEREBROSIDASE DEFICIENCY; GALC DEFICIENCY; GLOBOID CELL LEUKOENCEPHALOPATHY. Identifiers: Orphanet 487, MedGen C0023521, MONDO:0009499, OMIM 245200.

Submission:

Labcorp Genetics (formerly Invitae), Labcorp
Classification: Uncertain significance for Galactosylceramide beta-galactosidase deficiency. Last evaluated: 2022-07-25. Review status: criteria provided, single submitter. Criteria: Invitae Variant Classification Sherloc (09022015). Collection method: clinical testing. Allele origin: germline.
Comment: In summary, the available evidence is currently insufficient to determine the role of this variant in disease. Therefore, it has been classified as a Variant of Uncertain Significance. Advanced modeling of protein sequence and biophysical properties (such as structural, functional, and spatial information, amino acid conservation, physicochemical variation, residue mobility, and thermodynamic stability) performed at Invitae indicates that this missense variant is not expected to disrupt GALC protein function. This variant has not been reported in the literature in individuals affected with GALC-related conditions. This variant is not present in population databases (gnomAD no frequency). This sequence change replaces leucine, which is neutral and non-polar, with phenylalanine, which is neutral and non-polar, at codon 469 of the GALC protein (p.Leu469Phe).

NM_000153.4(GALC):c.1405C>T (p.Leu469Phe)

Gene: GALC (galactosylceramidase; minus strand). Cytogenetic location: 14q31.3.
Variant type: single nucleotide variant.
Coding change: c.1405C>T on transcript NM_000153.4 (MANE Select); coding-DNA position 1405, C replaced by T.
Protein change: p.Leu469Phe; replaces leucine 469 with phenylalanine.
Molecular consequence: missense variant.
Genome position (GRCh38, 1-based): chr14:87,947,812, G>A on the plus strand (C>T on the coding strand, the complement: GALC is on the minus strand). VCF-style: chr14-87947812-G-A. GRCh37 (hg19) VCF-style: chr14-88414156-G-A.
Other names: c.1336C>T, p.Leu446Phe (NM_001201401.2); c.1327C>T, p.Leu443Phe (NM_001201402.2); short protein forms L443F, L446F, L469F.
Identifiers: ClinVar variation 1713757 (VCV001713757.6), dbSNP rs2503363155, ClinGen allele CA390746542.